The following is an entry in ClinVar:

NM_201253.3(CRB1):c.200G>C (p.Cys67Ser)

Gene: CRB1 (crumbs cell polarity complex component 1; plus strand). Cytogenetic location: 1q31.3.
Variant type: single nucleotide variant.
Coding change: c.200G>C on transcript NM_201253.3 (MANE Select); coding-DNA position 200, G replaced by C.
Protein change: p.Cys67Ser; replaces cysteine 67 with serine.
Molecular consequence: missense variant. On other transcripts: 5 prime UTR variant (1), non-coding transcript variant (2).
Genome position (GRCh38, 1-based): chr1:197,328,551, G>C. VCF-style: chr1-197328551-G-C. GRCh37 (hg19) VCF-style: chr1-197297681-G-C.
Other names: c.200G>C, p.Cys67Ser (NM_001193640.2, NM_001257966.2); c.-8G>C (NM_001257965.2); short protein forms C67S.
Identifiers: ClinVar variation 972523 (VCV000972523.7), dbSNP rs749112809, ClinGen allele CA1311592.

ClinVar aggregate classification (germline): Uncertain significance. Review status: criteria provided, multiple submitters, no conflicts (2 of 4 stars). 3 submissions from 3 submitters: Uncertain significance (2). 1 of the submissions does not count toward it. Last evaluated 2023-11-09.

Conditions:
Retinitis pigmentosa 12 (RP12). Also called: RP WITH OR WITHOUT PPRPE; RP WITH OR WITHOUT PRESERVED PARAARTERIOLE RETINAL PIGMENT EPITHELIUM; RETINITIS PIGMENTOSA WITH OR WITHOUT PARAARTERIOLAR PRESERVATION OF RETINAL PIGMENT EPITHELIUM. Identifiers: Orphanet 791, MedGen C1838647, MONDO:0010818, OMIM 600105.
Leber congenital amaurosis 8 (LCA8). Identifiers: Orphanet 65, MedGen C3151202, MONDO:0013453, OMIM 613835.
Leber congenital amaurosis (LCA). Also called: Leber's amaurosis. Identifiers: Orphanet 65, MedGen C0339527, MeSH D057130, MONDO:0018998.

Allele frequency attached by ClinVar (database versions not stated): TOPMed 0.00004.
gnomAD v4.1: 8 of 1,614,078 alleles (0.0005%); highest among the groups gnomAD compares: African/African-American, 0.011%; no homozygotes.

Submissions (3):

Blueprint Genetics
Classification: Uncertain significance. Last evaluated: 2023-11-09. Review status: criteria provided, single submitter. Criteria: ACMG Guidelines, 2015. Collection method: clinical testing. Allele origin: germline.

Labcorp Genetics (formerly Invitae), Labcorp
Classification: Uncertain significance for Leber congenital amaurosis 8; Retinitis pigmentosa 12. Last evaluated: 2022-09-06. Review status: criteria provided, single submitter. Criteria: Invitae Variant Classification Sherloc (09022015). Collection method: clinical testing. Allele origin: germline.
Comment: This sequence change replaces cysteine, which is neutral and slightly polar, with serine, which is neutral and polar, at codon 67 of the CRB1 protein (p.Cys67Ser). This variant is present in population databases (rs749112809, gnomAD 0.007%). This variant has not been reported in the literature in individuals affected with CRB1-related conditions. ClinVar contains an entry for this variant (Variation ID: 972523). Advanced modeling of protein sequence and biophysical properties (such as structural, functional, and spatial information, amino acid conservation, physicochemical variation, residue mobility, and thermodynamic stability) performed at Invitae indicates that this missense variant is expected to disrupt CRB1 protein function. In summary, the available evidence is currently insufficient to determine the role of this variant in disease. Therefore, it has been classified as a Variant of Uncertain Significance.

Natera, Inc.
Classification: Uncertain significance for Leber congenital amaurosis. Last evaluated: 2021-01-20. Review status: no assertion criteria provided. Collection method: clinical testing. Allele origin: germline. Not counted in ClinVar's aggregate classification.